The following is an entry in ClinVar:

NM_021620.4(PRDM13):c.1310C>A (p.Pro437Gln)

Gene: PRDM13 (PR/SET domain 13; plus strand). Cytogenetic location: 6q16.2.
Variant type: single nucleotide variant.
Coding change: c.1310C>A on transcript NM_021620.4 (MANE Select); coding-DNA position 1310, C replaced by A.
Protein change: p.Pro437Gln; replaces proline 437 with glutamine.
Molecular consequence: missense variant.
Genome position (GRCh38, 1-based): chr6:99,613,945, C>A. VCF-style: chr6-99613945-C-A. GRCh37 (hg19) VCF-style: chr6-100061821-C-A.
Other names: short protein forms P437Q.
Identifiers: ClinVar variation 1045790 (VCV001045790.8), dbSNP rs200429669, ClinGen allele CA3936352.
Genomic context (GRCh38, chr6:99,613,945, plus strand): 5'-GAGCGCGTTATGCGCAGCTGCCCCCTGCGCCGGGGTTGCCCCTCGAGCGCTGCGCGCTGC[C>A]GCCCCTCGACCCGGGCGGTCTCAAAGCCTATCCGGGTGGTGAGTGCAGCCACCTGCCCGC-3'
Protein context (NP_067633.2, residues 427-447): PGLPLERCAL[Pro437Gln]PLDPGGLKAY

ClinVar aggregate classification (germline): Uncertain significance (1 of 4 stars; one submission).

Allele frequency attached by ClinVar (database versions not stated): TOPMed 0.00001.
gnomAD v4.1: 119 of 1,589,390 alleles (0.0075%); highest among the groups gnomAD compares: Non-Finnish European, 0.0096%; no homozygotes.

Submission:

Labcorp Genetics (formerly Invitae), Labcorp
Classification: Uncertain significance. Last evaluated: 2020-09-09. Review status: criteria provided, single submitter. Criteria: Invitae Variant Classification Sherloc (09022015). Collection method: clinical testing. Allele origin: germline.
Comment: This sequence change replaces proline with glutamine at codon 437 of the PRDM13 protein (p.Pro437Gln). The proline residue is highly conserved and there is a moderate physicochemical difference between proline and glutamine. Algorithms developed to predict the effect of missense changes on protein structure and function output the following: SIFT: "Tolerated"; PolyPhen-2: "Benign"; Align-GVGD: "Class C0". The glutamine amino acid residue is found in multiple mammalian species, suggesting that this missense change does not adversely affect protein function. These predictions have not been confirmed by published functional studies and their clinical significance is uncertain. This variant is present in population databases (rs200429669, ExAC 0.03%). This variant has not been reported in the literature in individuals with PRDM13-related conditions. Algorithms developed to predict the effect of sequence changes on RNA splicing suggest that this variant may create or strengthen a splice site, but this prediction has not been confirmed by published transcriptional studies. In summary, the available evidence is currently insufficient to determine the role of this variant in disease. Therefore, it has been classified as a Variant of Uncertain Significance.